The following is an entry in ClinVar:

NM_001048174.2(MUTYH):c.1421C>T (p.Pro474Leu)

Gene: MUTYH (mutY DNA glycosylase; minus strand). Cytogenetic location: 1p34.1.
Variant type: single nucleotide variant.
Coding change: c.1421C>T on transcript NM_001048174.2 (MANE Select); coding-DNA position 1421, C replaced by T.
Protein change: p.Pro474Leu; replaces proline 474 with leucine.
Molecular consequence: missense variant. On other transcripts: non-coding transcript variant (2).
Genome position (GRCh38, 1-based): chr1:45,330,529, G>A on the plus strand (C>T on the coding strand, the complement: MUTYH is on the minus strand). VCF-style: chr1-45330529-G-A. GRCh37 (hg19) VCF-style: chr1-45796201-G-A.
Other names: c.1421C>T, p.Pro474Leu (NM_001048171.2, NM_001048173.2, NM_001293195.2); c.1424C>T, p.Pro475Leu (NM_001048172.2); c.1505C>T, p.Pro502Leu (NM_001128425.2); c.1466C>T, p.Pro489Leu (NM_001293190.2); c.1454C>T, p.Pro485Leu (NM_001293191.2); c.1145C>T, p.Pro382Leu (NM_001293192.2, NM_001293196.2); c.1076C>T, p.Pro359Leu (NM_001350650.2, NM_001350651.2); c.1496C>T, p.Pro499Leu (NM_012222.3); and 1 more; short protein forms P489L, P359L, P474L, P499L, P475L, P485L, P502L, P382L.
Identifiers: ClinVar variation 1467807 (VCV001467807.7), dbSNP rs774287215, ClinGen allele CA056698.

ClinVar aggregate classification (germline): Conflicting classifications of pathogenicity. Review status: criteria provided, conflicting classifications (1 of 4 stars). 2 submissions from 2 submitters: Uncertain significance (1); Benign (1). Last evaluated 2026-02-27.

Conditions:
Familial adenomatous polyposis 2. Also called: MYH-associated polyposis; Adenomas, multiple colorectal; COLORECTAL ADENOMATOUS POLYPOSIS, AUTOSOMAL RECESSIVE; ADENOMAS, MULTIPLE COLORECTAL, AUTOSOMAL RECESSIVE; FAP type 2; MUTYH Polyposis. Identifiers: Orphanet 220460, Orphanet 247798, MedGen C3272841, MONDO:0012041, OMIM 608456.
Hereditary cancer-predisposing syndrome. Also called: Tumor predisposition; Neoplastic Syndromes, Hereditary; Hereditary Cancer Syndrome; Hereditary neoplastic syndrome. Identifiers: Orphanet 140162, MedGen C0027672, MeSH D009386, MONDO:0015356.

Allele frequency attached by ClinVar (database versions not stated): gnomAD exomes below 0.00001; ExAC 0.00002.
gnomAD v4.1: 5 of 1,609,928 alleles (0.00031%); highest among the groups gnomAD compares: Non-Finnish European, 0.00034%; no homozygotes.

Submissions (2):

Ambry Genetics
Classification: Benign for Hereditary cancer-predisposing syndrome. Last evaluated: 2026-02-27. Review status: criteria provided, single submitter. Criteria: Ambry Variant Classification Scheme 2023. Collection method: clinical testing. Allele origin: germline.

Labcorp Genetics (formerly Invitae), Labcorp
Classification: Uncertain significance for Familial adenomatous polyposis 2. Last evaluated: 2021-10-21. Review status: criteria provided, single submitter. Criteria: Invitae Variant Classification Sherloc (09022015). Collection method: clinical testing. Allele origin: germline.
Comment: This variant is present in population databases (rs774287215, ExAC 0.01%). This sequence change replaces proline with leucine at codon 502 of the MUTYH protein (p.Pro502Leu). The proline residue is weakly conserved and there is a moderate physicochemical difference between proline and leucine. In summary, the available evidence is currently insufficient to determine the role of this variant in disease. Therefore, it has been classified as a Variant of Uncertain Significance. This variant has not been reported in the literature in individuals affected with MUTYH-related conditions. Algorithms developed to predict the effect of missense changes on protein structure and function (SIFT, PolyPhen-2, Align-GVGD) all suggest that this variant is likely to be tolerated.